The following is an entry in ClinVar:

ClinVar aggregate classification (germline): Uncertain significance (1 of 4 stars; one submission).

Allele frequency attached by ClinVar (database versions not stated): TOPMed 0.00002.
gnomAD v4.1: 3 of 1,614,056 alleles (0.00019%); highest among the groups gnomAD compares: African/African-American, 0.0027%; no homozygotes.

Submission:

Labcorp Genetics (formerly Invitae), Labcorp
Classification: Uncertain significance. Last evaluated: 2022-08-23. Review status: criteria provided, single submitter. Criteria: Invitae Variant Classification Sherloc (09022015). Collection method: clinical testing. Allele origin: germline.
Comment: This variant has not been reported in the literature in individuals affected with ADAMTS18-related conditions. ClinVar contains an entry for this variant (Variation ID: 939209). Variants that disrupt the consensus splice site are a relatively common cause of aberrant splicing (PMID: 17576681, 9536098). Algorithms developed to predict the effect of sequence changes on RNA splicing suggest that this variant may disrupt the consensus splice site. In summary, the available evidence is currently insufficient to determine the role of this variant in disease. Therefore, it has been classified as a Variant of Uncertain Significance. This variant is not present in population databases (gnomAD no frequency). This sequence change falls in intron 4 of the ADAMTS18 gene. It does not directly change the encoded amino acid sequence of the ADAMTS18 protein. It affects a nucleotide within the consensus splice site.

Literature cited by the submitters: PubMed 17576681; PubMed 9536098.

NM_199355.4(ADAMTS18):c.778+4T>G

Gene: ADAMTS18 (ADAM metallopeptidase with thrombospondin type 1 motif 18; minus strand). Cytogenetic location: 16q23.1.
Variant type: single nucleotide variant.
Coding change: c.778+4T>G on transcript NM_199355.4 (MANE Select); 4 bases into the intron after coding-DNA position 778, T replaced by G.
Molecular consequence: intron variant. On other transcripts: missense variant (1).
Genome position (GRCh38, 1-based): chr16:77,367,437, A>C on the plus strand (T>G on the coding strand, the complement: ADAMTS18 is on the minus strand). VCF-style: chr16-77367437-A-C. GRCh37 (hg19) VCF-style: chr16-77401334-A-C.
Other names: c.262T>G, p.Tyr88Asp (NM_001326358.2); short protein forms Y88D.
Identifiers: ClinVar variation 939209 (VCV000939209.9), dbSNP rs1198140313, ClinGen allele CA724132745.